The following is an entry in ClinVar:

ClinVar aggregate classification (germline): Uncertain significance (1 of 4 stars; one submission).

Conditions:
Hereditary cancer-predisposing syndrome. Also called: Neoplastic Syndromes, Hereditary; Tumor predisposition; Hereditary Cancer Syndrome; Hereditary neoplastic syndrome. Identifiers: Orphanet 140162, MedGen C0027672, MeSH D009386, MONDO:0015356.

Submission:

Ambry Genetics
Classification: Uncertain significance for Hereditary cancer-predisposing syndrome. Last evaluated: 2026-02-23. Review status: criteria provided, single submitter. Criteria: Ambry Variant Classification Scheme 2023. Collection method: clinical testing. Allele origin: germline.
Comment: The p.G52A variant (also known as c.155G>C), located in coding exon 1 of the STK11 gene, results from a G to C substitution at nucleotide position 155. The glycine at codon 52 is replaced by alanine, an amino acid with similar properties. This amino acid position is conserved. In addition, the in silico prediction for this alteration is inconclusive. Based on the available evidence, the clinical significance of this variant remains unclear.

NM_000455.5(STK11):c.155G>C (p.Gly52Ala)

Gene: STK11 (serine/threonine kinase 11; plus strand). Cytogenetic location: 19p13.3.
Variant type: single nucleotide variant.
Coding change: c.155G>C on transcript NM_000455.5 (MANE Select); coding-DNA position 155, G replaced by C.
Protein change: p.Gly52Ala; replaces glycine 52 with alanine.
Molecular consequence: missense variant. On other transcripts: non-coding transcript variant (1).
Genome position (GRCh38, 1-based): chr19:1,207,068, G>C. VCF-style: chr19-1207068-G-C. GRCh37 (hg19) VCF-style: chr19-1207067-G-C.
Other names: c.155G>C, p.Gly52Ala (NM_001407255.1); short protein forms G52A.
Identifiers: ClinVar variation 4827071 (VCV004827071.1).